The following is an entry in ClinVar:

NM_145290.4(ADGRA3):c.529G>A (p.Ala177Thr)

Gene: ADGRA3 (adhesion G protein-coupled receptor A3; minus strand). Cytogenetic location: 4p15.2.
Variant type: single nucleotide variant.
Coding change: c.529G>A on transcript NM_145290.4 (MANE Select); coding-DNA position 529, G replaced by A.
Protein change: p.Ala177Thr; replaces alanine 177 with threonine.
Molecular consequence: missense variant.
Genome position (GRCh38, 1-based): chr4:22,447,456, C>T on the plus strand (G>A on the coding strand, the complement: ADGRA3 is on the minus strand). VCF-style: chr4-22447456-C-T. GRCh37 (hg19) VCF-style: chr4-22449079-C-T.
Other names: short protein forms A177T.
Identifiers: ClinVar variation 1517084 (VCV001517084.6), dbSNP rs147262995, ClinGen allele CA2874235.

ClinVar aggregate classification (germline): Uncertain significance (1 of 4 stars; one submission).

Allele frequency attached by ClinVar (database versions not stated): gnomAD exomes below 0.00001; ExAC 0.00001; gnomAD 0.00001; TOPMed 0.00001; ESP Exome Variant Server 0.00008.

Submission:

Labcorp Genetics (formerly Invitae), Labcorp
Classification: Uncertain significance. Last evaluated: 2022-07-19. Review status: criteria provided, single submitter. Criteria: Invitae Variant Classification Sherloc (09022015). Collection method: clinical testing. Allele origin: germline.
Comment: In summary, the available evidence is currently insufficient to determine the role of this variant in disease. Therefore, it has been classified as a Variant of Uncertain Significance. Algorithms developed to predict the effect of missense changes on protein structure and function (SIFT, PolyPhen-2, Align-GVGD) all suggest that this variant is likely to be tolerated. ClinVar contains an entry for this variant (Variation ID: 1517084). This variant has not been reported in the literature in individuals affected with ADGRA3-related conditions. This variant is present in population databases (rs147262995, gnomAD 0.009%). This sequence change replaces alanine, which is neutral and non-polar, with threonine, which is neutral and polar, at codon 177 of the ADGRA3 protein (p.Ala177Thr).